The following is an entry in ClinVar:

ClinVar aggregate classification (germline): Uncertain significance (1 of 4 stars; one submission).

Conditions:
Epidermolysis bullosa simplex with nail dystrophy (EBS5D). Identifiers: MedGen C4225309, MONDO:0014661, OMIM 616487.
Epidermolysis bullosa simplex 5B, with muscular dystrophy (EBS5B). Also called: EPIDERMOLYSIS BULLOSA SIMPLEX AND LIMB-GIRDLE MUSCULAR DYSTROPHY; Epidermolysis bullosa simplex with muscular dystrophy. Identifiers: Orphanet 257, MedGen C2931072, MONDO:0009181, OMIM 226670.
Epidermolysis bullosa simplex 5C, with pyloric atresia (EBS5C). Also called: PLEC-Related Epidermolysis Bullosa with Pyloric Atresia; Epidermolysis bullosa simplex with pyloric atresia; PLEC1-Related Epidermolysis Bullosa with Pyloric Atresia. Identifiers: Orphanet 158684, MedGen C2677349, MONDO:0012807, OMIM 612138.
Autosomal recessive limb-girdle muscular dystrophy type 2Q (LGMDR17). Also called: MUSCULAR DYSTROPHY, LIMB-GIRDLE, AUTOSOMAL RECESSIVE 17. Identifiers: Orphanet 254361, MedGen C3150989, MONDO:0013390, OMIM 613723.
Epidermolysis bullosa simplex, Ogna type (EBS5A). Also called: Pidermolysis bullosa simplex 5A, Ogna type; EPIDERMOLYSIS BULLOSA SIMPLEX 5A, OGNA TYPE. Identifiers: Orphanet 79401, MedGen C0432317, MONDO:0007555, OMIM 131950.

Allele frequency attached by ClinVar (database versions not stated): TOPMed below 0.00001; gnomAD 0.00001; gnomAD exomes 0.00001.
gnomAD v4.1: 9 of 1,578,530 alleles (0.00057%); highest among the groups gnomAD compares: Non-Finnish European, 0.00077%; no homozygotes.

Submission:

Labcorp Genetics (formerly Invitae), Labcorp
Classification: Uncertain significance for Autosomal recessive limb-girdle muscular dystrophy type 2Q; Epidermolysis bullosa simplex, Ogna type; Epidermolysis bullosa simplex with nail dystrophy; Epidermolysis bullosa simplex 5C, with pyloric atresia; Epidermolysis bullosa simplex 5B, with muscular dystrophy. Last evaluated: 2023-10-04. Review status: criteria provided, single submitter. Criteria: Invitae Variant Classification Sherloc (09022015). Collection method: clinical testing. Allele origin: germline.
Comment: This sequence change replaces isoleucine, which is neutral and non-polar, with valine, which is neutral and non-polar, at codon 1110 of the PLEC protein (p.Ile1110Val). This variant is not present in population databases (gnomAD no frequency). This variant has not been reported in the literature in individuals affected with PLEC-related conditions. Advanced modeling of protein sequence and biophysical properties (such as structural, functional, and spatial information, amino acid conservation, physicochemical variation, residue mobility, and thermodynamic stability) performed at Invitae indicates that this missense variant is not expected to disrupt PLEC protein function. In summary, the available evidence is currently insufficient to determine the role of this variant in disease. Therefore, it has been classified as a Variant of Uncertain Significance.

NM_201384.3(PLEC):c.3247A>G (p.Ile1083Val)

Gene: PLEC (plectin; minus strand). Cytogenetic location: 8q24.3.
Variant type: single nucleotide variant.
Coding change: c.3247A>G on transcript NM_201384.3 (MANE Select); coding-DNA position 3247, A replaced by G.
Protein change: p.Ile1083Val; replaces isoleucine 1083 with valine.
Molecular consequence: missense variant.
Genome position (GRCh38, 1-based): chr8:143,929,116, T>C on the plus strand (A>G on the coding strand, the complement: PLEC is on the minus strand). VCF-style: chr8-143929116-T-C. GRCh37 (hg19) VCF-style: chr8-145003284-T-C.
Other names: c.3328A>G, p.Ile1110Val (NM_000445.5, NM_001410941.1); c.3205A>G, p.Ile1069Val (NM_201378.4); c.3181A>G, p.Ile1061Val (NM_201379.3); c.3658A>G, p.Ile1220Val (NM_201380.4); c.3151A>G, p.Ile1051Val (NM_201381.3); c.3247A>G, p.Ile1083Val (NM_201382.4); c.3259A>G, p.Ile1087Val (NM_201383.3); short protein forms I1069V, I1083V, I1220V, I1087V, I1110V, I1061V, I1051V.
Identifiers: ClinVar variation 2926480 (VCV002926480.3), dbSNP rs1218229570, ClinGen allele CA372568504.
Genomic context (GRCh38, chr8:143,929,116, plus strand): 5'-ACCCCCCAGCCGACCCCAGCCCCTCGCCTGTGGCCAGGTGCACTCACTTCTCCAGGTAGA[T>C]GGCAGACAGGCTGCGGACCTGCTCCAGCTTGCCCAGCGTCAGCTCCAGCTCCGAGCGCAG-3'
Protein context (NP_958786.1, residues 1073-1093): KLEQVRSLSA[Ile1083Val]YLEKLKTISL